The following is an entry in ClinVar:

NM_006389.5(HYOU1):c.2470G>A (p.Ala824Thr)

Gene: HYOU1 (hypoxia up-regulated 1; minus strand). Cytogenetic location: 11q23.3.
Variant type: single nucleotide variant.
Coding change: c.2470G>A on transcript NM_006389.5 (MANE Select); coding-DNA position 2470, G replaced by A.
Protein change: p.Ala824Thr; replaces alanine 824 with threonine.
Molecular consequence: missense variant.
Genome position (GRCh38, 1-based): chr11:119,047,987, C>T on the plus strand (G>A on the coding strand, the complement: HYOU1 is on the minus strand). VCF-style: chr11-119047987-C-T. GRCh37 (hg19) VCF-style: chr11-118918699-C-T.
Other names: c.2470G>A, p.Ala824Thr (NM_001130991.3, NM_001411041.1); short protein forms A824T.
Identifiers: ClinVar variation 2185141 (VCV002185141.4), dbSNP rs782673531, ClinGen allele CA229618190.

ClinVar aggregate classification (germline): Uncertain significance (1 of 4 stars; one submission).

Allele frequency attached by ClinVar (database versions not stated): TOPMed 0.00002; gnomAD 0.00003.
gnomAD v4.1: 138 of 1,614,080 alleles (0.0085%); highest among the groups gnomAD compares: East Asian, 0.31%; no homozygotes.

Submission:

Labcorp Genetics (formerly Invitae), Labcorp
Classification: Uncertain significance. Last evaluated: 2025-01-15. Review status: criteria provided, single submitter. Criteria: Invitae Variant Classification Sherloc (09022015). Collection method: clinical testing. Allele origin: germline.
Comment: This sequence change replaces alanine, which is neutral and non-polar, with threonine, which is neutral and polar, at codon 824 of the HYOU1 protein (p.Ala824Thr). This variant is present in population databases (rs782673531, gnomAD 0.1%), and has an allele count higher than expected for a pathogenic variant. This variant has not been reported in the literature in individuals affected with HYOU1-related conditions. ClinVar contains an entry for this variant (Variation ID: 2185141). An algorithm developed to predict the effect of missense changes on protein structure and function (PolyPhen-2) suggests that this variant is likely to be disruptive. In summary, the available evidence is currently insufficient to determine the role of this variant in disease. Therefore, it has been classified as a Variant of Uncertain Significance.